The following is an entry in ClinVar:

ClinVar aggregate classification (germline): Uncertain significance (1 of 4 stars; one submission).

Conditions:
Cardiovascular phenotype. Identifiers: MedGen CN230736.

gnomAD v4.1: 1 of 1,612,940 alleles (0.000062%); highest among the groups gnomAD compares: Non-Finnish European, 0.000085%; no homozygotes.

Submission:

Ambry Genetics
Classification: Uncertain significance for Cardiovascular phenotype. Last evaluated: 2025-08-06. Review status: criteria provided, single submitter. Criteria: Ambry Variant Classification Scheme 2023. Collection method: clinical testing. Allele origin: germline.
Comment: The p.W1081* variant (also known as c.3243G>A), located in coding exon 39 of the CACNA2D1 gene, results from a G to A substitution at nucleotide position 3243. This changes the amino acid from a tryptophan to a stop codon within coding exon 39. The evidence for this gene-disease relationship is limited; therefore, the clinical significance of this alteration is unclear.

NM_000722.4(CACNA2D1):c.3243G>A (p.Trp1081Ter)

Gene: CACNA2D1 (calcium voltage-gated channel auxiliary subunit alpha2delta 1; minus strand). Cytogenetic location: 7q21.11.
Variant type: single nucleotide variant.
Coding change: c.3243G>A on transcript NM_000722.4 (MANE Select); coding-DNA position 3243, G replaced by A.
Protein change: p.Trp1081Ter; replaces tryptophan 1081 with a stop codon.
Molecular consequence: nonsense.
Genome position (GRCh38, 1-based): chr7:81,950,425, C>T on the plus strand (G>A on the coding strand, the complement: CACNA2D1 is on the minus strand). VCF-style: chr7-81950425-C-T. GRCh37 (hg19) VCF-style: chr7-81579741-C-T.
Other names: c.3279G>A, p.Trp1093Ter (NM_001366867.1); short protein forms W1081*, W1093*.
Identifiers: ClinVar variation 4217931 (VCV004217931.1).
Genomic context (GRCh38, chr7:81,950,425, plus strand): 5'-AACTATGCAGATTTGGTTTTTAGAAGGTCATAACAGGCGGTGTGTGCTGCCAGATACCAG[C>T]CAAAGTAGTAGAAACTGGATTCCAATGATATACCACAGGGAGGGATTTAATCCAGAAACA-3'